The following is an entry in ClinVar:

ClinVar aggregate classification (germline): Likely pathogenic (1 of 4 stars; one submission).

Conditions:
Corticosterone methyl oxidase type II deficiency.

gnomAD v4.1: 1 of 1,614,260 alleles (0.000062%); highest among the groups gnomAD compares: Non-Finnish European, 0.000085%; no homozygotes.

Submission:

Natera, Inc.
Classification: Likely pathogenic for Corticosterone methyl oxidase type II deficiency. Last evaluated: 2024-08-13. Review status: criteria provided, single submitter. Criteria: Natera Variant Classification Schema (03/2026). Collection method: clinical testing. Allele origin: germline.
Comment: The c.160C>T variant in CYP11B2 is a nonsense variant predicted to introduce a stop codon at amino acid 54. This variant is expected to result in nonsense mediated decay, truncation, or a dysfunctional protein product. This variant is rare in the general population with a frequency below the threshold expected for the associated phenotype(s). Given the available evidence, this variant is classified as Likely Pathogenic.

NM_000498.3(CYP11B2):c.160C>T (p.Gln54Ter)

Genes: CYP11B2 (cytochrome P450 family 11 subfamily B member 2; minus strand), LOC106799834 (CYP11B2 recombination region; plus strand). Cytogenetic location: 8q24.3.
Variant type: single nucleotide variant.
Coding change: c.160C>T on transcript NM_000498.3 (MANE Select); coding-DNA position 160, C replaced by T.
Protein change: p.Gln54Ter; replaces glutamine 54 with a stop codon.
Molecular consequence: nonsense.
Genome position (GRCh38, 1-based): chr8:142,917,681, G>A on the plus strand (C>T on the coding strand, the complement: CYP11B2 is on the minus strand). VCF-style: chr8-142917681-G-A. GRCh37 (hg19) VCF-style: chr8-143999097-G-A.
Other names: short protein forms Q54*.
Identifiers: ClinVar variation 4818602 (VCV004818602.1).
Genomic context (GRCh38, chr8:142,917,681, plus strand): 5'-CCTGGAAGGTCTGGTGCATCTCCAGGTGCAGGTGCTCATAACCCTGCTCCCTCCAGATCT[G>A]CAGCAGCCTCAGCCACCTGTTGCCTGGATGCTGGGGCATGGCTTCAAACGGCAGCACCGT-3'